The following is an entry in ClinVar:

ClinVar aggregate classification (germline): Uncertain significance. Review status: criteria provided, multiple submitters, no conflicts (2 of 4 stars). 2 submissions from 2 submitters: Uncertain significance (2). Last evaluated 2026-06-26.

Conditions:
Retinoblastoma (RB1). Also called: RETINOBLASTOMA, SOMATIC. Identifiers: Orphanet 790, MedGen C0035335, MeSH D012175, MONDO:0008380, OMIM 180200, HP:0009919. Disease mechanism: loss of function. Inheritance: Both sporadic and heritable forms are tested..
Hereditary cancer-predisposing syndrome. Also called: Neoplastic Syndromes, Hereditary; Hereditary Cancer Syndrome; Hereditary neoplastic syndrome; Tumor predisposition. Identifiers: Orphanet 140162, MedGen C0027672, MeSH D009386, MONDO:0015356.

Allele frequency attached by ClinVar (database versions not stated): gnomAD exomes below 0.00001.
gnomAD v4.1: 1 of 1,613,470 alleles (0.000062%); highest among the groups gnomAD compares: Non-Finnish European, 0.000085%; no homozygotes.

Submissions (2):

Ambry Genetics
Classification: Uncertain significance for Hereditary cancer-predisposing syndrome. Last evaluated: 2026-06-26. Review status: criteria provided, single submitter. Criteria: Ambry Variant Classification Scheme 2023. Collection method: clinical testing. Allele origin: germline.
Comment: The p.G887E variant (also known as c.2660G>A), located in coding exon 25 of the RB1 gene, results from a G to A substitution at nucleotide position 2660. The glycine at codon 887 is replaced by glutamic acid, an amino acid with similar properties. This amino acid position is conserved. In addition, the in silico prediction for this alteration is inconclusive. Based on the available evidence, the clinical significance of this variant remains unclear.

Labcorp Genetics (formerly Invitae), Labcorp
Classification: Uncertain significance for Retinoblastoma. Last evaluated: 2022-04-11. Review status: criteria provided, single submitter. Criteria: Invitae Variant Classification Sherloc (09022015). Collection method: clinical testing. Allele origin: germline.
Comment: This variant is not present in population databases (gnomAD no frequency). This sequence change replaces glycine, which is neutral and non-polar, with glutamic acid, which is acidic and polar, at codon 887 of the RB1 protein (p.Gly887Glu). This variant has not been reported in the literature in individuals affected with RB1-related conditions. ClinVar contains an entry for this variant (Variation ID: 577272). Algorithms developed to predict the effect of missense changes on protein structure and function (SIFT, PolyPhen-2, Align-GVGD) all suggest that this variant is likely to be disruptive. In summary, the available evidence is currently insufficient to determine the role of this variant in disease. Therefore, it has been classified as a Variant of Uncertain Significance.

NM_000321.3(RB1):c.2660G>A (p.Gly887Glu)

Gene: RB1 (RB transcriptional corepressor 1; plus strand). Cytogenetic location: 13q14.2.
Variant type: single nucleotide variant.
Coding change: c.2660G>A on transcript NM_000321.3 (MANE Select); coding-DNA position 2660, G replaced by A.
Protein change: p.Gly887Glu; replaces glycine 887 with glutamic acid.
Molecular consequence: missense variant.
Genome position (GRCh38, 1-based): chr13:48,476,840, G>A. VCF-style: chr13-48476840-G-A. GRCh37 (hg19) VCF-style: chr13-49050976-G-A.
Other names: short protein forms G887E.
Identifiers: ClinVar variation 577272 (VCV000577272.9), dbSNP rs1566241021, ClinGen allele CA388157657.